The following is an entry in ClinVar:

ClinVar aggregate classification (germline): Uncertain significance. Review status: criteria provided, multiple submitters, no conflicts (2 of 4 stars). 2 submissions from 2 submitters: Uncertain significance (2). Last evaluated 2020-11-20.

Conditions:
Absence seizure. Also called: Absence epilepsy. Identifiers: Orphanet 1941, MedGen C0014553.
Myoclonic epilepsy, juvenile, susceptibility to, 1. Also called: Myoclonic Epilepsy, Juvenile, 1; EJM1. Identifiers: MedGen C1850778, MONDO:0020752, OMIM 254770.

Allele frequency attached by ClinVar (database versions not stated): TOPMed below 0.00001; ExAC 0.00001; gnomAD 0.00002 and 0.00003.
gnomAD v4.1: 13 of 1,613,998 alleles (0.00081%); highest among the groups gnomAD compares: African/African-American, 0.0093%; no homozygotes.

Submissions (2):

Baylor Genetics
Classification: Uncertain significance for Epilepsy, juvenile absence, susceptibility to, 1. Last evaluated: 2020-11-20. Review status: criteria provided, single submitter. Criteria: ACMG Guidelines, 2015. Collection method: clinical testing. Allele origin: unknown. Affected: yes.
Comment: This variant was determined to be of uncertain significance according to ACMG Guidelines, 2015 [PMID:25741868].

Labcorp Genetics (formerly Invitae), Labcorp
Classification: Uncertain significance for Myoclonic epilepsy, juvenile, susceptibility to, 1; Absence seizure. Last evaluated: 2019-12-03. Review status: criteria provided, single submitter. Criteria: Invitae Variant Classification Sherloc (09022015). Collection method: clinical testing. Allele origin: germline.
Comment: Algorithms developed to predict the effect of missense changes on protein structure and function output the following: SIFT: "Deleterious"; PolyPhen-2: "Benign"; Align-GVGD: "Class C15". The cysteine amino acid residue is found in multiple mammalian species, suggesting that this missense change does not adversely affect protein function. These predictions have not been confirmed by published functional studies and their clinical significance is uncertain. In summary, the available evidence is currently insufficient to determine the role of this variant in disease. Therefore, it has been classified as a Variant of Uncertain Significance. This variant has not been reported in the literature in individuals with EFHC1-related conditions. This sequence change replaces arginine with cysteine at codon 366 of the EFHC1 protein (p.Arg366Cys). The arginine residue is moderately conserved and there is a large physicochemical difference between arginine and cysteine. This variant is present in population databases (rs573582894, ExAC 0.01%).

NM_018100.4(EFHC1):c.1096C>T (p.Arg366Cys)

Gene: EFHC1 (EF-hand domain containing 1; plus strand). Cytogenetic location: 6p12.2.
Variant type: single nucleotide variant.
Coding change: c.1096C>T on transcript NM_018100.4 (MANE Select); coding-DNA position 1096, C replaced by T.
Protein change: p.Arg366Cys; replaces arginine 366 with cysteine.
Molecular consequence: missense variant. On other transcripts: non-coding transcript variant (1).
Genome position (GRCh38, 1-based): chr6:52,465,074, C>T. VCF-style: chr6-52465074-C-T. GRCh37 (hg19) VCF-style: chr6-52329872-C-T.
Other names: c.1039C>T, p.Arg347Cys (NM_001172420.2); short protein forms R366C, R347C.
Identifiers: ClinVar variation 841142 (VCV000841142.11), dbSNP rs573582894, ClinGen allele CA3855981.